The following is an entry in ClinVar:

NM_015122.3(FCHO1):c.1466C>G (p.Pro489Arg)

Gene: FCHO1 (FCH and mu domain containing endocytic adaptor 1; plus strand). Cytogenetic location: 19p13.11.
Variant type: single nucleotide variant.
Coding change: c.1466C>G on transcript NM_015122.3 (MANE Select); coding-DNA position 1466, C replaced by G.
Protein change: p.Pro489Arg; replaces proline 489 with arginine.
Molecular consequence: missense variant. On other transcripts: non-coding transcript variant (14), intron variant (15).
Genome position (GRCh38, 1-based): chr19:17,778,723, C>G. VCF-style: chr19-17778723-C-G. GRCh37 (hg19) VCF-style: chr19-17889532-C-G.
Other names: c.1466C>G, p.Pro489Arg (NM_001161357.2, NM_001161358.2, NM_001384370.1 and 13 more transcripts); c.1316C>G, p.Pro439Arg (NM_001161359.2, NM_001384384.1, NM_001384385.1 and 1 more transcripts); c.1427C>G, p.Pro476Arg (NM_001384388.1, NM_001384389.1, NM_001384405.1); c.1391C>G, p.Pro464Arg (NM_001384390.1); c.1351+495C>G (NM_001384396.1, NM_001384404.1, NM_001384398.1 and 5 more transcripts); c.1201+495C>G (NM_001384406.1); c.1057+2452C>G (NM_001384407.1); c.1352-3C>G (NM_001384393.1, NM_001384394.1, NM_001384392.1 and 1 more transcripts); and 1 more; short protein forms P439R, P489R, P464R, P476R.
Identifiers: ClinVar variation 1397316 (VCV001397316.6), dbSNP rs369672866, ClinGen allele CA9300526.

ClinVar aggregate classification (germline): Uncertain significance (1 of 4 stars; one submission).

gnomAD v4.1: 113 of 1,543,780 alleles (0.0073%); highest among the groups gnomAD compares: Admixed American, 0.044%; no homozygotes.

Submission:

Labcorp Genetics (formerly Invitae), Labcorp
Classification: Uncertain significance. Last evaluated: 2024-11-27. Review status: criteria provided, single submitter. Criteria: Invitae Variant Classification Sherloc (09022015). Collection method: clinical testing. Allele origin: germline.
Comment: This sequence change replaces proline, which is neutral and non-polar, with arginine, which is basic and polar, at codon 489 of the FCHO1 protein (p.Pro489Arg). This variant is present in population databases (rs369672866, gnomAD 0.01%). This variant has not been reported in the literature in individuals affected with FCHO1-related conditions. ClinVar contains an entry for this variant (Variation ID: 1397316). An algorithm developed to predict the effect of missense changes on protein structure and function (PolyPhen-2) suggests that this variant is likely to be disruptive. In summary, the available evidence is currently insufficient to determine the role of this variant in disease. Therefore, it has been classified as a Variant of Uncertain Significance.